The following is an entry in ClinVar:

ClinVar aggregate classification (germline): Uncertain significance (1 of 4 stars; one submission).

Conditions:
Inborn genetic diseases. Identifiers: MedGen C0950123, MeSH D030342.

Submission:

Ambry Genetics
Classification: Uncertain significance for Inborn genetic diseases. Last evaluated: 2025-11-25. Review status: criteria provided, single submitter. Criteria: Ambry Variant Classification Scheme 2023. Collection method: clinical testing. Allele origin: germline.
Comment: The p.E870A variant (also known as c.2609A>C), located in coding exon 27 of the RTEL1 gene, results from an A to C substitution at nucleotide position 2609. The glutamic acid at codon 870 is replaced by alanine, an amino acid with dissimilar properties. This amino acid position is conserved. In addition, this alteration is predicted to be tolerated by in silico analysis. Based on the available evidence, the clinical significance of this variant remains unclear.

NM_001283009.2(RTEL1):c.2609A>C (p.Glu870Ala)

Genes: RTEL1 (regulator of telomere elongation helicase 1; plus strand), RTEL1-TNFRSF6B (RTEL1-TNFRSF6B readthrough (NMD candidate); plus strand). Cytogenetic location: 20q13.33.
Variant type: single nucleotide variant.
Coding change: c.2609A>C on transcript NM_001283009.2 (MANE Select); coding-DNA position 2609, A replaced by C.
Protein change: p.Glu870Ala; replaces glutamic acid 870 with alanine.
Molecular consequence: missense variant. On other transcripts: non-coding transcript variant (1).
Genome position (GRCh38, 1-based): chr20:63,691,794, A>C. VCF-style: chr20-63691794-A-C. GRCh37 (hg19) VCF-style: chr20-62323147-A-C.
Other names: c.1940A>C, p.Glu647Ala (NM_001283010.1); c.2609A>C, p.Glu870Ala (NM_016434.4); c.2681A>C, p.Glu894Ala (NM_032957.5); short protein forms E870A, E647A, E894A.
Identifiers: ClinVar variation 4629627 (VCV004629627.1).